The following is an entry in ClinVar:

NM_007294.4(BRCA1):c.4003C>T (p.Leu1335=)

Genes: BRCA1 (BRCA1 DNA repair associated; minus strand), LOC126862571 (BRD4-independent group 4 enhancer GRCh37_chr17:41243136-41244335; plus strand). Cytogenetic location: 17q21.31.
Variant type: single nucleotide variant.
Coding change: c.4003C>T on transcript NM_007294.4 (MANE Select); coding-DNA position 4003, C replaced by T.
Protein change: p.Leu1335=; no amino-acid change (leucine 1335 retained).
Molecular consequence: synonymous variant. On other transcripts: intron variant (135).
Genome position (GRCh38, 1-based): chr17:43,091,528, G>A on the plus strand (C>T on the coding strand, the complement: BRCA1 is on the minus strand). VCF-style: chr17-43091528-G-A. GRCh37 (hg19) VCF-style: chr17-41243545-G-A.
Other names: p.Leu1335=; c.3790C>T, p.Leu1264= (NM_001407571.1, NM_001407853.1, NM_001407894.1 and 9 more transcripts); c.4003C>T, p.Leu1335= (NM_001407581.1, NM_001407582.1, NM_001407583.1 and 30 more transcripts); c.4000C>T, p.Leu1334= (NM_001407587.1, NM_001407590.1, NM_001407591.1 and 22 more transcripts); c.3994C>T, p.Leu1332= (NM_001407646.1, NM_001407647.1); c.3880C>T, p.Leu1294= (NM_001407648.1, NM_001407664.1, NM_001407665.1 and 19 more transcripts); c.3877C>T, p.Leu1293= (NM_001407649.1, NM_001407670.1, NM_001407671.1 and 11 more transcripts); c.3925C>T, p.Leu1309= (NM_001407653.1, NM_001407654.1, NM_001407655.1 and 4 more transcripts); and 42 more.
Identifiers: ClinVar variation 1192118 (VCV001192118.11), dbSNP rs2154270139, ClinGen allele CA500232011.

ClinVar aggregate classification (germline): Likely benign. Review status: criteria provided, multiple submitters, no conflicts (2 of 4 stars). 4 submissions from 4 submitters: Likely benign (4). Last evaluated 2025-11-09.

Conditions:
Hereditary breast ovarian cancer syndrome. Also called: Hereditary breast and ovarian cancer syndrome; Breast and ovarian cancer; Hereditary breast and ovarian cancer syndrome (HBOC); Hereditary breast and/or ovarian cancer syndrome; BRCA1- and BRCA2-Associated Hereditary Breast and Ovarian Cancer; Hereditary breast and ovarian cancer. Identifiers: Orphanet 145, MedGen C0677776, MeSH D061325, MONDO:0003582. Disease mechanism: loss of function.
Hereditary cancer-predisposing syndrome. Also called: Neoplastic Syndromes, Hereditary; Hereditary neoplastic syndrome; Hereditary Cancer Syndrome; Tumor predisposition. Identifiers: Orphanet 140162, MedGen C0027672, MeSH D009386, MONDO:0015356.

Submissions (4):

Mayo Clinic Laboratories, Mayo Clinic
Classification: Likely benign. Last evaluated: 2025-11-09. Review status: criteria provided, single submitter. Criteria: ACMG Guidelines, 2015. Collection method: clinical testing. Allele origin: germline. Observed: 1 variant allele.
Comment: BP1_strong, PM2_supporting

Ambry Genetics
Classification: Likely benign for Hereditary cancer-predisposing syndrome. Last evaluated: 2023-05-02. Review status: criteria provided, single submitter. Criteria: Ambry Variant Classification Scheme 2023. Collection method: clinical testing. Allele origin: germline.

Labcorp Genetics (formerly Invitae), Labcorp
Classification: Likely benign for Hereditary breast ovarian cancer syndrome. Last evaluated: 2022-10-05. Review status: criteria provided, single submitter. Criteria: Invitae Variant Classification Sherloc (09022015). Collection method: clinical testing. Allele origin: germline.

GeneDx
Classification: Likely benign. Last evaluated: 2018-12-04. Review status: criteria provided, single submitter. Criteria: GeneDx Variant Classification Process June 2021. Collection method: clinical testing. Allele origin: germline. Affected: yes.